The following is an entry in ClinVar:

ClinVar aggregate classification (germline): Pathogenic (1 of 4 stars; one submission).

Conditions:
Bardet-Biedl syndrome (BBS). Identifiers: Orphanet 110, MedGen C0752166, MONDO:0015229.

Submission:

Labcorp Genetics (formerly Invitae), Labcorp
Classification: Pathogenic for Bardet-Biedl syndrome. Last evaluated: 2024-04-24. Review status: criteria provided, single submitter. Criteria: Invitae Variant Classification Sherloc (09022015). Collection method: clinical testing. Allele origin: germline.
Comment: This sequence change creates a premature translational stop signal (p.Ala456Profs*13) in the BBS4 gene. It is expected to result in an absent or disrupted protein product. Loss-of-function variants in BBS4 are known to be pathogenic (PMID: 11381270, 12016587, 20177705, 27894351). This variant is not present in population databases (gnomAD no frequency). This variant has not been reported in the literature in individuals affected with BBS4-related conditions. Algorithms developed to predict the effect of sequence changes on RNA splicing suggest that this variant may disrupt the consensus splice site. For these reasons, this variant has been classified as Pathogenic.

Literature cited by the submitters: PubMed 11381270; PubMed 12016587; PubMed 20177705; PubMed 27894351.

NM_033028.5(BBS4):c.1366del (p.Ala456fs)

Gene: BBS4 (Bardet-Biedl syndrome 4; plus strand). Cytogenetic location: 15q24.1.
Variant type: Deletion.
Coding change: c.1366del on transcript NM_033028.5 (MANE Select); coding-DNA position 1366, one base deleted (G; older notation c.1366delG).
Protein change: p.Ala456fs; shifts the reading frame from alanine 456.
Molecular consequence: frameshift variant. On other transcripts: non-coding transcript variant (2).
Genome position (GRCh38, 1-based): chr15:72,736,879, G deleted. VCF-style (leftmost placement, unchanged base first): chr15-72736878-TG-T. GRCh37 (hg19) VCF-style: chr15-73029219-TG-T.
Other names: c.850del, p.Ala284fs (NM_001252678.2); c.1297del, p.Ala433fs (NM_001320665.2); short protein forms A433fs, A284fs, A456fs.
Identifiers: ClinVar variation 3631754 (VCV003631754.2).